The following is an entry in ClinVar:

ClinVar aggregate classification (germline): Conflicting classifications of pathogenicity. Review status: criteria provided, conflicting classifications (1 of 4 stars). 4 submissions from 4 submitters: Uncertain significance (1); Likely benign (2). 1 of the submissions does not count toward it. Last evaluated 2026-05-05.

Conditions:
Hereditary cancer-predisposing syndrome. Also called: Neoplastic Syndromes, Hereditary; Hereditary neoplastic syndrome; Tumor predisposition; Hereditary Cancer Syndrome. Identifiers: Orphanet 140162, MedGen C0027672, MeSH D009386, MONDO:0015356.
Hereditary breast ovarian cancer syndrome. Also called: Hereditary breast and/or ovarian cancer syndrome; Hereditary breast and ovarian cancer; Hereditary breast and ovarian cancer syndrome (HBOC); Breast and ovarian cancer; BRCA1- and BRCA2-Associated Hereditary Breast and Ovarian Cancer; Hereditary breast and ovarian cancer syndrome. Identifiers: Orphanet 145, MedGen C0677776, MeSH D061325, MONDO:0003582. Disease mechanism: loss of function.
Breast-ovarian cancer, familial, susceptibility to, 2 (BROVCA2). Also called: BRCA2 Hereditary Breast and Ovarian Cancer. Identifiers: Orphanet 145, MedGen C2675520, MONDO:0012933, OMIM 612555. Disease mechanism: loss of function.

Submissions (4):

Ambry Genetics
Classification: Likely benign for Hereditary cancer-predisposing syndrome. Last evaluated: 2026-05-05. Review status: criteria provided, single submitter. Criteria: Ambry Variant Classification Scheme 2023. Collection method: clinical testing. Allele origin: germline.

University of Washington Department of Laboratory Medicine, University of Washington
Classification: Likely benign for Hereditary cancer-predisposing syndrome. Last evaluated: 2023-03-23. Review status: criteria provided, single submitter. Criteria: Dines et al. (Genet Med. 2020). Collection method: curation. Allele origin: germline.
Comment: Missense variant in a coldspot region where missense variants are very unlikely to be pathogenic (PMID:31911673).

BRCA2 exon 11 coldspot. Reclassification based on statistical prior probability.

Labcorp Genetics (formerly Invitae), Labcorp
Classification: Uncertain significance for Hereditary breast ovarian cancer syndrome. Last evaluated: 2022-11-01. Review status: criteria provided, single submitter. Criteria: Invitae Variant Classification Sherloc (09022015). Collection method: clinical testing. Allele origin: germline.
Comment: In summary, the available evidence is currently insufficient to determine the role of this variant in disease. Therefore, it has been classified as a Variant of Uncertain Significance. Advanced modeling of protein sequence and biophysical properties (such as structural, functional, and spatial information, amino acid conservation, physicochemical variation, residue mobility, and thermodynamic stability) performed at Invitae indicates that this missense variant is not expected to disrupt BRCA2 protein function. ClinVar contains an entry for this variant (Variation ID: 51705). This variant has not been reported in the literature in individuals affected with BRCA2-related conditions. This variant is not present in population databases (gnomAD no frequency). This sequence change replaces leucine, which is neutral and non-polar, with valine, which is neutral and non-polar, at codon 1578 of the BRCA2 protein (p.Leu1578Val).

Breast Cancer Information Core (BIC) (BRCA2)
Classification: Uncertain significance for Breast-ovarian cancer, familial 2. Last evaluated: 1999-06-22. Review status: no assertion criteria provided. Collection method: clinical testing. Allele origin: germline. Affected: yes. Observed: 2 variant alleles. Not counted in ClinVar's aggregate classification.

NM_000059.4(BRCA2):c.4732T>G (p.Leu1578Val)

Gene: BRCA2 (BRCA2 DNA repair associated; plus strand). Cytogenetic location: 13q13.1.
Variant type: single nucleotide variant.
Coding change: c.4732T>G on transcript NM_000059.4 (MANE Select); coding-DNA position 4732, T replaced by G.
Protein change: p.Leu1578Val; replaces leucine 1578 with valine.
Molecular consequence: missense variant.
Genome position (GRCh38, 1-based): chr13:32,339,087, T>G. VCF-style: chr13-32339087-T-G. GRCh37 (hg19) VCF-style: chr13-32913224-T-G.
Other names: short protein forms L1578V.
Identifiers: ClinVar variation 51705 (VCV000051705.8), dbSNP rs80358700, ClinGen allele CA020729.